The following is an entry in ClinVar:

ClinVar aggregate classification (germline): Uncertain significance. Review status: criteria provided, multiple submitters, no conflicts (2 of 4 stars). 4 submissions from 3 submitters: Uncertain significance (3). 1 of the submissions does not count toward it. Last evaluated 2025-06-04.

Conditions:
Charcot-Marie-Tooth disease axonal type 2U. Also called: CHARCOT-MARIE-TOOTH NEUROPATHY, TYPE 2U; CHARCOT-MARIE-TOOTH DISEASE, AXONAL, AUTOSOMAL DOMINANT, TYPE 2U. Identifiers: Orphanet 397735, MedGen C4084821, MONDO:0014566, OMIM 616280.
Severe early-onset pulmonary alveolar proteinosis due to MARS deficiency. Also called: PULMONARY ALVEOLAR PROTEINOSIS, REUNION ISLAND; Interstitial lung and liver disease. Identifiers: Orphanet 440427, MedGen C4225400, MONDO:0014206, OMIM 615486.

Allele frequency attached by ClinVar (database versions not stated): gnomAD exomes below 0.00001; TOPMed below 0.00001; gnomAD 0.00003.
gnomAD v4.1: 20 of 1,614,148 alleles (0.0012%); highest among the groups gnomAD compares: Admixed American, 0.0067%; no homozygotes.

Submissions (4):

Labcorp Genetics (formerly Invitae), Labcorp
Classification: Uncertain significance for Charcot-Marie-Tooth disease axonal type 2U; Severe early-onset pulmonary alveolar proteinosis due to MARS deficiency. Last evaluated: 2025-06-04. Review status: criteria provided, single submitter. Criteria: Invitae Variant Classification Sherloc (09022015). Collection method: clinical testing. Allele origin: germline.
Comment: This sequence change replaces threonine, which is neutral and polar, with asparagine, which is neutral and polar, at codon 122 of the MARS protein (p.Thr122Asn). This variant is present in population databases (rs201007223, gnomAD 0.01%). This variant has not been reported in the literature in individuals affected with MARS-related conditions. ClinVar contains an entry for this variant (Variation ID: 475424). An algorithm developed to predict the effect of missense changes on protein structure and function (PolyPhen-2) suggests that this variant is likely to be tolerated. In summary, the available evidence is currently insufficient to determine the role of this variant in disease. Therefore, it has been classified as a Variant of Uncertain Significance.

Revvity Omics, Revvity
Classification: Uncertain significance. Last evaluated: 2021-06-02. Review status: criteria provided, single submitter. Criteria: ACMG Guidelines, 2015. Collection method: clinical testing. Allele origin: germline.

Seattle Children's Hospital Molecular Genetics Laboratory, Seattle Children's Hospital
Classification: Uncertain significance. Review status: criteria provided, single submitter. Criteria: ACMG Guidelines, 2015. Collection method: clinical testing. Allele origin: germline. Inheritance: Autosomal recessive inheritance. Affected: yes.
Comment: This variant has been observed at low frequencies in the general population (3 of 251,478 alleles; gnomAD). To our knowledge, it has not been reported as pathogenic in the medical literature.

Seattle Children's Hospital Molecular Genetics Laboratory, Seattle Children's Hospital
Classification: Uncertain significance for Severe early-onset pulmonary alveolar proteinosis due to MARS deficiency. Review status: no assertion criteria provided. Collection method: clinical testing. Allele origin: germline. Affected: yes. Not counted in ClinVar's aggregate classification.

NM_004990.4(MARS1):c.365C>A (p.Thr122Asn)

Gene: MARS1 (methionyl-tRNA synthetase 1; plus strand). Cytogenetic location: 12q13.3.
Variant type: single nucleotide variant.
Coding change: c.365C>A on transcript NM_004990.4 (MANE Select); coding-DNA position 365, C replaced by A.
Protein change: p.Thr122Asn; replaces threonine 122 with asparagine.
Molecular consequence: missense variant.
Genome position (GRCh38, 1-based): chr12:57,489,509, C>A. VCF-style: chr12-57489509-C-A. GRCh37 (hg19) VCF-style: chr12-57883292-C-A.
Other names: short protein forms T122N.
Identifiers: ClinVar variation 475424 (VCV000475424.13), dbSNP rs201007223, ClinGen allele CA6650146.
Genomic context (GRCh38, chr12:57,489,509, plus strand): 5'-ATTTAGTGGTCCAAGGCAAGAAGGGGGAAGATGTTCTTGGTTCAGTGCGGAGAGCCCTGA[C>A]TCACATTGACCACAGCTTGAGTCGTCAGAACTGTCCTTTCCTGGCTGGGGTGAGTTGGGT-3'
Protein context (NP_004981.2, residues 112-132): DVLGSVRRAL[Thr122Asn]HIDHSLSRQN